The following is an entry in ClinVar:

ClinVar aggregate classification (germline): Pathogenic (1 of 4 stars; one submission).

Submission:

ISCA Site 6
Classification: Pathogenic. Last evaluated: 2011-08-12. Review status: criteria provided, single submitter. Criteria: Kaminsky et al. (Genet Med. 2011). Collection method: clinical testing. Allele origin: unknown. Affected: yes. Observed: 1 variant allele.
Comment: Copy number variation identified through the course of routine clinical cytogenomic testing in postnatal populations. Clinical assertions have been curated as described in Kaminsky et al. 2011.

GRCh38/hg38 15q11.2-13.1(chr15:23319714-28190742)x3

Genes: ATP10A (ATPase phospholipid transporting 10A (putative); minus strand), ATP10A-DT (ATP10A divergent transcript; plus strand), GABRA5 (gamma-aminobutyric acid type A receptor subunit alpha5; plus strand), GABRB3 (gamma-aminobutyric acid type A receptor subunit beta3; minus strand), GABRG3 (gamma-aminobutyric acid type A receptor subunit gamma3; plus strand) and 139 more. Cytogenetic location: 15q11.2-13.1.
Variant type: copy number gain.
Change: copy number 3 (three copies instead of two) of chr15:23,319,714-28,190,742 (4.87 Mb, GRCh38 coordinates, 1-based), cytogenetic band 15q11.2-13.1.
Identifiers: ClinVar variation 58578 (VCV000058578.2).